The following is an entry in ClinVar:

NM_000719.7(CACNA1C):c.2853+202C>T

Gene: CACNA1C (calcium voltage-gated channel subunit alpha1 C; plus strand). Cytogenetic location: 12p13.33.
Variant type: single nucleotide variant.
Coding change: c.2853+202C>T on transcript NM_000719.7 (MANE Select); 202 bases into the intron after coding-DNA position 2853, C replaced by T.
Molecular consequence: intron variant. On other transcripts: missense variant (11).
Genome position (GRCh38, 1-based): chr12:2,597,491, C>T. VCF-style: chr12-2597491-C-T. GRCh37 (hg19) VCF-style: chr12-2706657-C-T.
Other names: c.2908C>T, p.Leu970Phe (NM_001129827.2, NM_001129832.2, NM_199460.4); c.2848C>T, p.Leu950Phe (NM_001129830.3, NM_001129835.2, NM_001129836.2 and 5 more transcripts); c.2853+202C>T (NM_001167624.3, NM_001167623.2, NM_001167625.2 and 7 more transcripts); c.2844+202C>T (NM_001129844.2); short protein forms L970F, L950F.
Identifiers: ClinVar variation 2862921 (VCV002862921.3), dbSNP rs2517017364, ClinGen allele CA383372936.

ClinVar aggregate classification (germline): Uncertain significance (1 of 4 stars; one submission).

Conditions:
Long QT syndrome (LQTS). Identifiers: MedGen C0023976, MeSH D008133, MONDO:0002442. Disease mechanism: loss of function. Inheritance: Various modes of inheritance.

Allele frequency attached by ClinVar (database versions not stated): gnomAD exomes 0.00001.
gnomAD v4.1: 10 of 1,597,312 alleles (0.00063%); highest among the groups gnomAD compares: South Asian, 0.0011%; no homozygotes.

Submission:

Labcorp Genetics (formerly Invitae), Labcorp
Classification: Uncertain significance for Long QT syndrome. Last evaluated: 2023-09-10. Review status: criteria provided, single submitter. Criteria: Invitae Variant Classification Sherloc (09022015). Collection method: clinical testing. Allele origin: germline.
Comment: This sequence change replaces leucine, which is neutral and non-polar, with phenylalanine, which is neutral and non-polar, at codon 950 of the CACNA1C protein (p.Leu950Phe). In summary, the available evidence is currently insufficient to determine the role of this variant in disease. Therefore, it has been classified as a Variant of Uncertain Significance. Experimental studies and prediction algorithms are not available or were not evaluated, and the functional significance of this variant is currently unknown. This variant has not been reported in the literature in individuals affected with CACNA1C-related conditions. This variant is not present in population databases (gnomAD no frequency). The CACNA1C gene has multiple clinically relevant transcripts. This variant occurs in alternate transcript NM_001129840.1, and corresponds to NM_000719.6:c.2853+202C>T in the primary transcript.